The following is an entry in ClinVar:

NM_198576.4(AGRN):c.472G>A (p.Gly158Arg)

Gene: AGRN (agrin; plus strand). Cytogenetic location: 1p36.33.
Variant type: single nucleotide variant.
Coding change: c.472G>A on transcript NM_198576.4 (MANE Select); coding-DNA position 472, G replaced by A.
Protein change: p.Gly158Arg; replaces glycine 158 with arginine.
Molecular consequence: missense variant.
Genome position (GRCh38, 1-based): chr1:1,035,285, G>A. VCF-style: chr1-1035285-G-A. GRCh37 (hg19) VCF-style: chr1-970665-G-A.
Other names: c.472G>A (NM_198576.3); c.472G>A, p.Gly158Arg (NM_001305275.2); c.157G>A, p.Gly53Arg (NM_001364727.2); short protein forms G158R, G53R.
Identifiers: ClinVar variation 1406871 (VCV001406871.6), dbSNP rs764956867, ClinGen allele CA507850.
Genomic context (GRCh38, chr1:1,035,285, plus strand): 5'-CAGGGAGGAGCCTGCTCAGAGGAGCCTAACTTGGGGATTTGTTTTCTTCCAGATAAACCC[G>A]GGACCCACTTCACTCCAGTGCCTCCGACGCCTCCTGATGGTGAGTAGGGCTGAGTTCGGG-3'
Protein context (NP_940978.2, residues 148-168): EVEFCVEDKP[Gly158Arg]THFTPVPPTP

ClinVar aggregate classification (germline): Uncertain significance. Review status: criteria provided, multiple submitters, no conflicts (2 of 4 stars). 3 submissions from 3 submitters: Uncertain significance (3). Last evaluated 2024-10-21.

Conditions:
Congenital myasthenic syndrome 8. Also called: MYASTHENIC SYNDROME, CONGENITAL, DUE TO AGRIN DEFICIENCY; Myasthenic syndrome, congenital, 8, with pre- and postsynaptic defects. Identifiers: Orphanet 590, MedGen C3808739, MONDO:0014052, OMIM 615120.
Inborn genetic diseases. Identifiers: MedGen C0950123, MeSH D030342.

Allele frequency attached by ClinVar (database versions not stated): gnomAD 0.00001; TOPMed 0.00001; ExAC 0.00002; gnomAD exomes 0.00002.
gnomAD v4.1: 63 of 1,612,994 alleles (0.0039%); highest among the groups gnomAD compares: Non-Finnish European, 0.0048%; no homozygotes.

Submissions (4):

Ambry Genetics
Classification: Uncertain significance for Inborn genetic diseases. Last evaluated: 2024-10-21. Review status: criteria provided, single submitter. Criteria: Ambry Variant Classification Scheme 2023. Collection method: clinical testing. Allele origin: germline.

Revvity Omics, Revvity
Classification: Uncertain significance for Congenital myasthenic syndrome 8. Last evaluated: 2024-05-31. Review status: criteria provided, single submitter. Criteria: ACMG Guidelines, 2015. Collection method: clinical testing. Allele origin: germline.

Labcorp Genetics (formerly Invitae), Labcorp
Classification: Uncertain significance for Congenital myasthenic syndrome 8. Last evaluated: 2021-10-21. Review status: criteria provided, single submitter. Criteria: Invitae Variant Classification Sherloc (09022015). Collection method: clinical testing. Allele origin: germline.
Comment: This sequence change replaces glycine, which is neutral and non-polar, with arginine, which is basic and polar, at codon 158 of the AGRN protein (p.Gly158Arg). This variant is present in population databases (rs764956867, gnomAD 0.003%). This variant has not been reported in the literature in individuals affected with AGRN-related conditions. Algorithms developed to predict the effect of missense changes on protein structure and function are either unavailable or do not agree on the potential impact of this missense change (SIFT: "Deleterious"; PolyPhen-2: "Probably Damaging"; Align-GVGD: "Class C0"). In summary, the available evidence is currently insufficient to determine the role of this variant in disease. Therefore, it has been classified as a Variant of Uncertain Significance.

Dr. Peter K. Rogan Lab, Western University
No classification provided (evidence only). Condition: Melanoma. Review status: no classification provided. Collection method: in vitro. Allele origin: not applicable. Functional consequence: retained intron. Not counted in ClinVar's aggregate classification.